The following is an entry in ClinVar:

NM_015047.3(EMC1):c.96-15C>G

Gene: EMC1 (ER membrane protein complex subunit 1; minus strand). Cytogenetic location: 1p36.13.
Variant type: single nucleotide variant.
Coding change: c.96-15C>G on transcript NM_015047.3 (MANE Select); 15 bases into the intron before coding-DNA position 96, C replaced by G.
Molecular consequence: intron variant.
Genome position (GRCh38, 1-based): chr1:19,245,045, G>C on the plus strand (C>G on the coding strand, the complement: EMC1 is on the minus strand). VCF-style: chr1-19245045-G-C. GRCh37 (hg19) VCF-style: chr1-19571539-G-C.
Other names: c.96-15C>G (NM_001271429.2, NM_001271427.2, NM_001375821.1 and 2 more transcripts).
Identifiers: ClinVar variation 2092203 (VCV002092203.4), dbSNP rs2536815189, ClinGen allele CA2580061422.

ClinVar aggregate classification (germline): Uncertain significance (1 of 4 stars; one submission).

Submission:

Labcorp Genetics (formerly Invitae), Labcorp
Classification: Uncertain significance. Last evaluated: 2022-02-03. Review status: criteria provided, single submitter. Criteria: Invitae Variant Classification Sherloc (09022015). Collection method: clinical testing. Allele origin: germline.
Comment: In summary, the available evidence is currently insufficient to determine the role of this variant in disease. Therefore, it has been classified as a Variant of Uncertain Significance. Algorithms developed to predict the effect of sequence changes on RNA splicing suggest that this variant may create or strengthen a splice site. This variant has not been reported in the literature in individuals affected with EMC1-related conditions. This variant is not present in population databases (gnomAD no frequency). This sequence change falls in intron 1 of the EMC1 gene. It does not directly change the encoded amino acid sequence of the EMC1 protein.